The following is an entry in ClinVar:

NM_001267550.2(TTN):c.106715T>A (p.Ile35572Asn)

Genes: TTN-AS1 (TTN antisense RNA 1; plus strand), TTN (titin; minus strand). Cytogenetic location: 2q31.2.
Variant type: single nucleotide variant.
Coding change: c.106715T>A on transcript NM_001267550.2 (MANE Select); coding-DNA position 106715, T replaced by A.
Protein change: p.Ile35572Asn; replaces isoleucine 35572 with asparagine.
Molecular consequence: missense variant.
Genome position (GRCh38, 1-based): chr2:178,529,036, A>T on the plus strand (T>A on the coding strand, the complement: TTN is on the minus strand). VCF-style: chr2-178529036-A-T. GRCh37 (hg19) VCF-style: chr2-179393763-A-T.
Other names: c.101792T>A, p.Ile33931Asn (NM_001256850.1); c.79895T>A, p.Ile26632Asn (NM_133432.3); c.80096T>A, p.Ile26699Asn (NM_133437.4); c.79520T>A, p.Ile26507Asn (NM_003319.4); c.99011T>A, p.Ile33004Asn (NM_133378.4); short protein forms I26507N, I26632N, I26699N, I33004N, I33931N, I35572N.
Identifiers: ClinVar variation 3751422 (VCV003751422.2).

ClinVar aggregate classification (germline): Uncertain significance (1 of 4 stars; one submission).

Conditions:
Autosomal recessive limb-girdle muscular dystrophy type 2J (LGMDR10). Also called: Limb-girdle muscular dystrophy, type 2J; MUSCULAR DYSTROPHY, LIMB-GIRDLE, AUTOSOMAL RECESSIVE 10. Identifiers: Orphanet 140922, MedGen C1837342, MONDO:0012127, OMIM 608807.
Dilated cardiomyopathy 1G (CMD1G). Identifiers: Orphanet 154, MedGen C1858763, MONDO:0011400, OMIM 604145.

gnomAD v4.1: 1 of 1,614,002 alleles (0.000062%); highest among the groups gnomAD compares: Non-Finnish European, 0.000085%; no homozygotes.

Submission:

Labcorp Genetics (formerly Invitae), Labcorp
Classification: Uncertain significance for Dilated cardiomyopathy 1G; Autosomal recessive limb-girdle muscular dystrophy type 2J. Last evaluated: 2024-08-13. Review status: criteria provided, single submitter. Criteria: Invitae Variant Classification Sherloc (09022015). Collection method: clinical testing. Allele origin: germline.
Comment: This sequence change replaces isoleucine, which is neutral and non-polar, with asparagine, which is neutral and polar, at codon 35572 of the TTN protein (p.Ile35572Asn). This variant is not present in population databases (gnomAD no frequency). This variant has not been reported in the literature in individuals affected with TTN-related conditions. Experimental studies and prediction algorithms are not available or were not evaluated, and the functional significance of this variant is currently unknown. This variant is located in the M band of TTN (PMID: 25589632). Non-truncating variants in this region may be relevant for neuromuscular disorders, but have not been definitively shown to cause cardiomyopathy (PMID: 23975875). In summary, the available evidence is currently insufficient to determine the role of this variant in disease. Therefore, it has been classified as a Variant of Uncertain Significance.

Literature cited by the submitters: PubMed 25589632; PubMed 23975875.